The following is an entry in ClinVar:

ClinVar aggregate classification (germline): Conflicting classifications of pathogenicity. Review status: criteria provided, conflicting classifications (1 of 4 stars). 3 submissions from 3 submitters: Uncertain significance (2); Likely benign (1). Last evaluated 2025-05-15.

Conditions:
Hereditary breast ovarian cancer syndrome. Also called: Hereditary breast and ovarian cancer; Hereditary breast and ovarian cancer syndrome (HBOC); Breast and ovarian cancer; Hereditary breast and ovarian cancer syndrome; BRCA1- and BRCA2-Associated Hereditary Breast and Ovarian Cancer; Hereditary breast and/or ovarian cancer syndrome. Identifiers: Orphanet 145, MedGen C0677776, MeSH D061325, MONDO:0003582. Disease mechanism: loss of function.
Hereditary cancer-predisposing syndrome. Also called: Tumor predisposition; Neoplastic Syndromes, Hereditary; Hereditary neoplastic syndrome; Hereditary Cancer Syndrome. Identifiers: Orphanet 140162, MedGen C0027672, MeSH D009386, MONDO:0015356.

Submissions (3):

Ambry Genetics
Classification: Likely benign for Hereditary cancer-predisposing syndrome. Last evaluated: 2025-05-15. Review status: criteria provided, single submitter. Criteria: Ambry Variant Classification Scheme 2023. Collection method: clinical testing. Allele origin: germline.

Labcorp Genetics (formerly Invitae), Labcorp
Classification: Uncertain significance for Hereditary breast ovarian cancer syndrome. Last evaluated: 2025-02-19. Review status: criteria provided, single submitter. Criteria: Invitae Variant Classification Sherloc (09022015). Collection method: clinical testing. Allele origin: germline.
Comment: This sequence change replaces alanine, which is neutral and non-polar, with glutamic acid, which is acidic and polar, at codon 2534 of the BRCA2 protein (p.Ala2534Glu). This variant is not present in population databases (gnomAD no frequency). This variant has not been reported in the literature in individuals affected with BRCA2-related conditions. ClinVar contains an entry for this variant (Variation ID: 630761). Invitae Evidence Modeling of protein sequence and biophysical properties (such as structural, functional, and spatial information, amino acid conservation, physicochemical variation, residue mobility, and thermodynamic stability) indicates that this missense variant is not expected to disrupt BRCA2 protein function with a negative predictive value of 95%. In summary, the available evidence is currently insufficient to determine the role of this variant in disease. Therefore, it has been classified as a Variant of Uncertain Significance.

Color Diagnostics, LLC DBA Color Health
Classification: Uncertain significance for Hereditary cancer-predisposing syndrome. Last evaluated: 2024-05-31. Review status: criteria provided, single submitter. Criteria: ACMG Guidelines, 2015. Collection method: clinical testing. Allele origin: germline.
Comment: This missense variant replaces alanine with glutamic acid at codon 2534 of the BRCA2 protein. Computational prediction is inconclusive regarding the impact of this variant on protein structure and function. To our knowledge, functional studies have not been reported for this variant. This variant has not been reported in individuals affected with BRCA2-related disorders in the literature. This variant has not been identified in the general population by the Genome Aggregation Database (gnomAD). The available evidence is insufficient to determine the role of this variant in disease conclusively. Therefore, this variant is classified as a Variant of Uncertain Significance.

NM_000059.4(BRCA2):c.7601C>A (p.Ala2534Glu)

Gene: BRCA2 (BRCA2 DNA repair associated; plus strand). Cytogenetic location: 13q13.1.
Variant type: single nucleotide variant.
Coding change: c.7601C>A on transcript NM_000059.4 (MANE Select); coding-DNA position 7601, C replaced by A.
Protein change: p.Ala2534Glu; replaces alanine 2534 with glutamic acid.
Molecular consequence: missense variant.
Genome position (GRCh38, 1-based): chr13:32,356,593, C>A. VCF-style: chr13-32356593-C-A. GRCh37 (hg19) VCF-style: chr13-32930730-C-A.
Other names: short protein forms A2534E.
Identifiers: ClinVar variation 630761 (VCV000630761.11), dbSNP rs74047012, ClinGen allele CA387743953.